The following is an entry in ClinVar:

NM_001849.4(COL6A2):c.219C>T (p.Phe73=)

Gene: COL6A2 (collagen type VI alpha 2 chain; plus strand). Cytogenetic location: 21q22.3.
Variant type: single nucleotide variant.
Coding change: c.219C>T on transcript NM_001849.4 (MANE Select); coding-DNA position 219, C replaced by T.
Protein change: p.Phe73=; no amino-acid change (phenylalanine 73 retained).
Molecular consequence: synonymous variant.
Genome position (GRCh38, 1-based): chr21:46,112,082, C>T. VCF-style: chr21-46112082-C-T. GRCh37 (hg19) VCF-style: chr21-47531996-C-T.
Other names: c.219C>T, p.Phe73= (NM_058174.3, NM_058175.3).
Identifiers: ClinVar variation 286220 (VCV000286220.25), dbSNP rs374336669, ClinGen allele CA10071235.

ClinVar aggregate classification (germline): Conflicting classifications of pathogenicity. Review status: criteria provided, conflicting classifications (1 of 4 stars). 7 submissions from 7 submitters: Uncertain significance (1); Benign (3); Likely benign (2). 1 of the submissions does not count toward it. Last evaluated 2025-12-20.

Conditions:
COL6A2-related disorder.
Collagen 6-related myopathy. Identifiers: MedGen CN117976, MONDO:0100225.
Bethlem myopathy 1A. Also called: MYOPATHY, BENIGN CONGENITAL, WITH CONTRACTURES; Bethlem myopathy 1; Bethlem Muscular Dystrophy. Identifiers: Orphanet 610, MedGen CN029274, MONDO:0024530, OMIM 158810.

Allele frequency attached by ClinVar (database versions not stated): gnomAD 0.00004 and 0.00013; TOPMed 0.00006; ESP Exome Variant Server 0.00008; 1000 Genomes Project 30x 0.00016; 1000 Genomes Project 0.00020.

Submissions (7):

Labcorp Genetics (formerly Invitae), Labcorp
Classification: Benign for Bethlem myopathy 1A. Last evaluated: 2025-12-20. Review status: criteria provided, single submitter. Criteria: Invitae Variant Classification Sherloc (09022015). Collection method: clinical testing. Allele origin: germline.

Athena Diagnostics
Classification: Benign. Last evaluated: 2024-10-25. Review status: criteria provided, single submitter. Criteria: Athena Diagnostics Criteria. Collection method: clinical testing. Allele origin: unknown.

Blueprint Genetics
Classification: Likely benign. Last evaluated: 2024-07-09. Review status: criteria provided, single submitter. Criteria: ACMG Guidelines, 2015. Collection method: clinical testing. Allele origin: germline.

GeneDx
Classification: Likely benign. Last evaluated: 2020-08-05. Review status: criteria provided, single submitter. Criteria: GeneDx Variant Classification Process June 2021. Collection method: clinical testing. Allele origin: germline. Affected: yes.

Illumina Laboratory Services, Illumina
Classification: Benign for Collagen VI-related myopathy. Last evaluated: 2018-01-12. Review status: criteria provided, single submitter. Criteria: ICSL Variant Classification Criteria 13 December 2019. Collection method: clinical testing. Allele origin: germline.
Comment: This variant was observed in the ICSL laboratory as part of a predisposition screen in an ostensibly healthy population. It had not been previously curated by ICSL or reported in the Human Gene Mutation Database (HGMD: prior to June 1st, 2018), and was therefore a candidate for classification through an automated scoring system. Utilizing variant allele frequency, disease prevalence and penetrance estimates, and inheritance mode, an automated score was calculated to assess if this variant is too frequent to cause the disease. Based on the score and internal cut-off values, a variant classified as benign is not then subjected to further curation. The score for this variant resulted in a classification of benign for this disease.

Eurofins Ntd Llc (ga)
Classification: Uncertain significance. Last evaluated: 2016-02-16. Review status: criteria provided, single submitter. Criteria: EGL Classification Definitions 2015. Collection method: clinical testing. Allele origin: germline. Observed: 2 variant alleles, 2 heterozygotes.

PreventionGenetics, part of Exact Sciences
Classification: Likely benign for COL6A2-related condition. Last evaluated: 2019-02-21. Review status: no assertion criteria provided. Collection method: clinical testing. Allele origin: germline. Not counted in ClinVar's aggregate classification.
Comment: This variant is classified as likely benign based on ACMG/AMP sequence variant interpretation guidelines (Richards et al. 2015 PMID: 25741868, with internal and published modifications).